The following is an entry in ClinVar:

ClinVar aggregate classification (germline): Conflicting classifications of pathogenicity. Review status: criteria provided, conflicting classifications (1 of 4 stars). 3 submissions from 3 submitters: Uncertain significance (2); Likely benign (1). Last evaluated 2026-01-06.

Conditions:
NBAS-related disorder. Also called: NBAS-related condition.
Inborn genetic diseases. Identifiers: MedGen C0950123, MeSH D030342.

Allele frequency attached by ClinVar (database versions not stated): gnomAD exomes 0.00002 and 0.00003; TOPMed 0.00002; gnomAD 0.00003 and 0.00005; ExAC 0.00004.
gnomAD v4.1: 58 of 1,613,340 alleles (0.0036%); highest among the groups gnomAD compares: African/African-American, 0.017%; 1 homozygote.

Submissions (3):

Labcorp Genetics (formerly Invitae), Labcorp
Classification: Likely benign. Last evaluated: 2026-01-06. Review status: criteria provided, single submitter. Criteria: Invitae Variant Classification Sherloc (09022015). Collection method: clinical testing. Allele origin: germline.

Ambry Genetics
Classification: Uncertain significance for Inborn genetic diseases. Last evaluated: 2023-02-28. Review status: criteria provided, single submitter. Criteria: Ambry Variant Classification Scheme 2023. Collection method: clinical testing. Allele origin: germline.

PreventionGenetics, part of Exact Sciences
Classification: Uncertain significance for NBAS-related condition. Last evaluated: 2022-10-19. Review status: criteria provided, single submitter. Criteria: ACMG Guidelines, 2015. Collection method: clinical testing. Allele origin: germline.
Comment: The NBAS c.937C>T variant is predicted to result in the amino acid substitution p.Arg313Cys. To our knowledge, this variant has not been reported in the literature. This variant is reported in 0.016% of alleles in individuals of East Asian descent in gnomAD. At this time, the clinical significance of this variant is uncertain due to the absence of conclusive functional and genetic evidence.

NM_015909.4(NBAS):c.937C>T (p.Arg313Cys)

Gene: NBAS (NBAS subunit of NRZ tethering complex; minus strand). Cytogenetic location: 2p24.3.
Variant type: single nucleotide variant.
Coding change: c.937C>T on transcript NM_015909.4 (MANE Select); coding-DNA position 937, C replaced by T.
Protein change: p.Arg313Cys; replaces arginine 313 with cysteine.
Molecular consequence: missense variant. On other transcripts: non-coding transcript variant (1).
Genome position (GRCh38, 1-based): chr2:15,504,162, G>A on the plus strand (C>T on the coding strand, the complement: NBAS is on the minus strand). VCF-style: chr2-15504162-G-A. GRCh37 (hg19) VCF-style: chr2-15644286-G-A.
Other names: c.937C>T (NM_015909.2, NM_015909.3); short protein forms R313C.
Identifiers: ClinVar variation 1409521 (VCV001409521.8), dbSNP rs571030699, ClinGen allele CA1536859.